The following is an entry in ClinVar:

ClinVar aggregate classification (germline): Conflicting classifications of pathogenicity. Review status: criteria provided, conflicting classifications (1 of 4 stars). 10 submissions from 10 submitters: Uncertain significance (6); Likely benign (2). 2 of the submissions do not count toward it. Last evaluated 2025-12-24.

Conditions:
MSH6-related disorder. Also called: MSH6-related condition; MSH6-Related disorders.
Hereditary nonpolyposis colorectal neoplasms. Identifiers: MedGen C0009405, MeSH D003123.
Hereditary cancer-predisposing syndrome. Also called: Hereditary neoplastic syndrome; Neoplastic Syndromes, Hereditary; Tumor predisposition; Hereditary Cancer Syndrome. Identifiers: Orphanet 140162, MedGen C0027672, MeSH D009386, MONDO:0015356.
Lynch syndrome. Identifiers: Orphanet 144, MedGen C4552100, MONDO:0005835. Disease mechanism: loss of function.
Lynch syndrome 5 (LYNCH5). Also called: Hereditary non-polyposis colorectal cancer, type 5; Colorectal cancer, hereditary nonpolyposis, type 5. Identifiers: Orphanet 144, MedGen C1833477, MONDO:0013710, OMIM 614350. Disease mechanism: loss of function.
Endometrial carcinoma. Also called: Endometrial carcinoma, somatic. Identifiers: MedGen C0476089, MONDO:0002447, OMIM 608089, HP:0012114.

Allele frequency attached by ClinVar (database versions not stated): ExAC 0.00001; gnomAD exomes 0.00001 and 0.00002; gnomAD 0.00002.
gnomAD v4.1: 14 of 1,614,052 alleles (0.00087%); highest among the groups gnomAD compares: African/African-American, 0.0027%; no homozygotes.

Submissions (10):

Labcorp Genetics (formerly Invitae), Labcorp
Classification: Likely benign for Hereditary nonpolyposis colorectal neoplasms. Last evaluated: 2025-12-24. Review status: criteria provided, single submitter. Criteria: Invitae Variant Classification Sherloc (09022015). Collection method: clinical testing. Allele origin: germline.

Ambry Genetics
Classification: Uncertain significance for Hereditary cancer-predisposing syndrome. Last evaluated: 2025-10-23. Review status: criteria provided, single submitter. Criteria: Ambry Variant Classification Scheme 2023. Collection method: clinical testing. Allele origin: germline.
Comment: The p.M875T variant (also known as c.2624T>C), located in coding exon 4 of the MSH6 gene, results from a T to C substitution at nucleotide position 2624. The methionine at codon 875 is replaced by threonine, an amino acid with similar properties. This variant has been reported in 1/1120 pediatric cancer patients, who underwent whole genome sequencing and/or whole exome sequencing; this patient was diagnosed with core binding factor AML (Zhang J et al. N. Engl. J. Med. 2015 Dec;373:2336-2346). This amino acid position is not well conserved in available vertebrate species. In addition, the in silico prediction for this alteration is inconclusive. Since supporting evidence is limited at this time, the clinical significance of this alteration remains unclear.

Myriad Genetics, Inc.
Classification: Likely benign for Lynch syndrome 5. Last evaluated: 2024-12-19. Review status: criteria provided, single submitter. Criteria: Myriad Autosomal Dominant, Autosomal Recessive and X-Linked Classification Criteria (2023). Collection method: clinical testing. Allele origin: unknown.
Comment: This variant is considered likely benign. This variant is strongly associated with less severe personal and family histories of cancer, typical for individuals without pathogenic variants in this gene [PMID: 27363726].

All of Us Research Program, National Institutes of Health
Classification: Uncertain significance for Lynch syndrome. Last evaluated: 2024-03-14. Review status: criteria provided, single submitter. Criteria: ACMG Guidelines, 2015. Collection method: clinical testing. Allele origin: germline. Inheritance: Autosomal dominant inheritance. Observed: 1 variant allele, 1 heterozygote.
Comment: This missense variant replaces methionine with threonine at codon 875 of the MSH6 protein. Computational prediction is inconclusive regarding the impact of this variant on protein structure and function (internally defined REVEL score threshold 0.5 < inconclusive < 0.7, PMID: 27666373). To our knowledge, functional studies have not been reported for this variant. This variant has not been reported in individuals affected with MSH6-related disorders in the literature. This variant has been identified in 4/250268 chromosomes in the general population by the Genome Aggregation Database (gnomAD). The available evidence is insufficient to determine the role of this variant in disease conclusively. Therefore, this variant is classified as a Variant of Uncertain Significance.

This study involves interpretation of variants in research participants for the purpose of population health screening. Participant phenotype was not available at the time of variant classification. Additional details can be found in publication PMID: 35346344, PMCID: PMC8962531

Color Diagnostics, LLC DBA Color Health
Classification: Uncertain significance for Hereditary cancer-predisposing syndrome. Last evaluated: 2023-10-18. Review status: criteria provided, single submitter. Criteria: ACMG Guidelines, 2015. Collection method: clinical testing. Allele origin: germline.
Comment: This missense variant replaces methionine with threonine at codon 875 of the MSH6 protein. Computational prediction is inconclusive regarding the impact of this variant on protein structure and function (internally defined REVEL score threshold 0.5 < inconclusive < 0.7, PMID: 27666373). To our knowledge, functional studies have not been reported for this variant. This variant has not been reported in individuals affected with MSH6-related disorders in the literature. This variant has been identified in 4/250268 chromosomes in the general population by the Genome Aggregation Database (gnomAD). The available evidence is insufficient to determine the role of this variant in disease conclusively. Therefore, this variant is classified as a Variant of Uncertain Significance.

Baylor Genetics
Classification: Uncertain significance for Endometrial carcinoma. Last evaluated: 2023-10-09. Review status: criteria provided, single submitter. Criteria: ACMG Guidelines, 2015. Collection method: clinical testing. Allele origin: unknown.

GeneDx
Classification: Uncertain significance. Last evaluated: 2023-10-02. Review status: criteria provided, single submitter. Criteria: GeneDx Variant Classification Process June 2021. Collection method: clinical testing. Allele origin: germline. Affected: yes.
Comment: In silico analysis supports that this missense variant does not alter protein structure/function; Observed in an individual with leukemia (Zhang et al., 2015); This variant is associated with the following publications: (PMID: 17531815, 21120944, 26580448)

Women's Health and Genetics/Laboratory Corporation of America, LabCorp
Classification: Uncertain significance. Last evaluated: 2022-06-20. Review status: criteria provided, single submitter. Criteria: LabCorp Variant Classification Summary - May 2015. Collection method: clinical testing. Allele origin: germline.
Comment: Variant summary: MSH6 c.2624T>C (p.Met875Thr) results in a non-conservative amino acid change located in the DNA mismatch repair protein MutS, core domain (IPR007696) of the encoded protein sequence. Five of five in-silico tools predict a damaging effect of the variant on protein function. The variant allele was found at a frequency of 1.6e-05 in 250268 control chromosomes. The available data on variant occurrences in the general population are insufficient to allow any conclusion about variant significance. c.2624T>C has been reported in the literature as a VUS in settings of multigene panel testing in at-least one individual with a diagnosis of core binding factor AML in a cohort of individuals with pediatric cancers (example, Zhang_2015). These report(s) do not provide unequivocal conclusions about association of the variant with Lynch Syndrome. To our knowledge, no experimental evidence demonstrating an impact on protein function has been reported. Five clinical diagnostic laboratories have submitted clinical-significance assessments for this variant to ClinVar after 2014 without evidence for independent evaluation. All laboratories classified the variant as uncertain significance. Based on the evidence outlined above, the variant was classified as uncertain significance.

PreventionGenetics, part of Exact Sciences
Classification: Uncertain significance for MSH6-related condition. Last evaluated: 2024-07-29. Review status: no assertion criteria provided. Collection method: clinical testing. Allele origin: germline. Not counted in ClinVar's aggregate classification.
Comment: The MSH6 c.2624T>C variant is predicted to result in the amino acid substitution p.Met875Thr. This variant has been reported as a variant of uncertain significance in an individual with pediatric cancer (Supplementary Table S4a. Zhang et al. 2015. PubMed ID: 26580448). This variant is reported in 0.0080% of alleles in individuals of European (Finnish) descent in gnomAD and has conflicting interpretations of pathogenicity in ClinVar ranging from likely benign to uncertain. At this time, the clinical significance of this variant is uncertain due to the absence of conclusive functional and genetic evidence.

Counsyl
Classification: Uncertain significance for Lynch syndrome 5. Last evaluated: 2017-03-22. Review status: no assertion criteria provided. Collection method: clinical testing. Allele origin: unknown. Not counted in ClinVar's aggregate classification.

Literature cited by the submitters: PubMed 26580448 (cited by 3 submitters); PubMed 27363726 (cited by Myriad Genetics, Inc.).

NM_000179.3(MSH6):c.2624T>C (p.Met875Thr)

Gene: MSH6 (mutS homolog 6; plus strand). Cytogenetic location: 2p16.3.
Variant type: single nucleotide variant.
Coding change: c.2624T>C on transcript NM_000179.3 (MANE Select); coding-DNA position 2624, T replaced by C.
Protein change: p.Met875Thr; replaces methionine 875 with threonine.
Molecular consequence: missense variant.
Genome position (GRCh38, 1-based): chr2:47,800,607, T>C. VCF-style: chr2-47800607-T-C. GRCh37 (hg19) VCF-style: chr2-48027746-T-C.
Other names: c.2234T>C, p.Met745Thr (NM_001281492.2); c.1718T>C, p.Met573Thr (NM_001281493.2, NM_001281494.2); short protein forms M875T, M573T, M745T.
Identifiers: ClinVar variation 185159 (VCV000185159.31), dbSNP rs774774596, ClinGen allele CA010617.